The following is an entry in ClinVar:

ClinVar aggregate classification (germline): Benign/Likely benign. Review status: criteria provided, multiple submitters, no conflicts (2 of 4 stars). 4 submissions from 4 submitters: Benign (2); Likely benign (2). Last evaluated 2026-04-01.

Allele frequency attached by ClinVar (database versions not stated): 1000 Genomes Project 0.00120; 1000 Genomes Project 30x 0.00125; gnomAD 0.00232 and 0.00235; TOPMed 0.00259; gnomAD exomes 0.00264; ESP Exome Variant Server 0.00277; ExAC 0.00294.
gnomAD v4.1: 5,663 of 1,612,882 alleles (0.35%); highest among the groups gnomAD compares: Middle Eastern, 0.53%; 16 homozygotes.

Submissions (4):

CeGaT Center for Human Genetics Tuebingen
Classification: Likely benign. Last evaluated: 2026-04-01. Review status: criteria provided, single submitter. Criteria: CeGaT Center For Human Genetics Tuebingen Variant Classification Criteria Version 2. Collection method: clinical testing. Allele origin: germline. Affected: yes. Observed: 5 variant alleles.
Comment: RNF213: BP4, BP7, BS2

Labcorp Genetics (formerly Invitae), Labcorp
Classification: Benign. Last evaluated: 2025-10-02. Review status: criteria provided, single submitter. Criteria: Invitae Variant Classification Sherloc (09022015). Collection method: clinical testing. Allele origin: germline.

Blueprint Genetics
Classification: Likely benign. Last evaluated: 2024-11-27. Review status: criteria provided, single submitter. Criteria: ACMG Guidelines, 2015. Collection method: clinical testing. Allele origin: germline.

Breakthrough Genomics
Classification: Benign. Review status: criteria provided, single submitter. Criteria: ACMG Guidelines, 2015. Collection method: not provided. Allele origin: germline. Inheritance: Autosomal dominant inheritance. Affected: yes.

NM_001256071.3(RNF213):c.2847G>A (p.Ala949=)

Gene: RNF213 (ring finger protein 213; plus strand). Cytogenetic location: 17q25.3.
Variant type: single nucleotide variant.
Coding change: c.2847G>A on transcript NM_001256071.3 (MANE Select); coding-DNA position 2847, G replaced by A.
Protein change: p.Ala949=; no amino-acid change (alanine 949 retained).
Molecular consequence: synonymous variant.
Genome position (GRCh38, 1-based): chr17:80,317,223, G>A. VCF-style: chr17-80317223-G-A. GRCh37 (hg19) VCF-style: chr17-78291023-G-A.
Other names: c.2847G>A, p.Ala949= (NM_020954.4).
Identifiers: ClinVar variation 714116 (VCV000714116.34), dbSNP rs140980905, ClinGen allele CA8820023.